The following is an entry in ClinVar:

NM_177438.3(DICER1):c.2452G>A (p.Val818Met)

Gene: DICER1 (dicer 1, ribonuclease III; minus strand). Cytogenetic location: 14q32.13.
Variant type: single nucleotide variant.
Coding change: c.2452G>A on transcript NM_177438.3 (MANE Select); coding-DNA position 2452, G replaced by A.
Protein change: p.Val818Met; replaces valine 818 with methionine.
Molecular consequence: missense variant. On other transcripts: non-coding transcript variant (6).
Genome position (GRCh38, 1-based): chr14:95,108,078, C>T on the plus strand (G>A on the coding strand, the complement: DICER1 is on the minus strand). VCF-style: chr14-95108078-C-T. GRCh37 (hg19) VCF-style: chr14-95574415-C-T.
Other names: c.2452G>A, p.Val818Met (NM_001195573.1, NM_001271282.3, NM_001291628.2 and 12 more transcripts); c.2170G>A, p.Val724Met (NM_001395686.1); c.2047G>A, p.Val683Met (NM_001395687.1, NM_001395688.1, NM_001395689.1 and 2 more transcripts); c.1885G>A, p.Val629Met (NM_001395691.1); c.769G>A, p.Val257Met (NM_001395697.1); short protein forms V257M, V629M, V818M, V683M, V724M.
Identifiers: ClinVar variation 3501819 (VCV003501819.1).

ClinVar aggregate classification (germline): Uncertain significance (1 of 4 stars; one submission).

Conditions:
Hereditary cancer-predisposing syndrome. Also called: Tumor predisposition; Neoplastic Syndromes, Hereditary; Hereditary Cancer Syndrome; Hereditary neoplastic syndrome. Identifiers: Orphanet 140162, MedGen C0027672, MeSH D009386, MONDO:0015356.

gnomAD v4.1: 3 of 1,613,232 alleles (0.00019%); highest among the groups gnomAD compares: South Asian, 0.0011%; no homozygotes.

Submission:

Ambry Genetics
Classification: Uncertain significance for Hereditary cancer-predisposing syndrome. Last evaluated: 2024-12-03. Review status: criteria provided, single submitter. Criteria: Ambry Variant Classification Scheme 2023. Collection method: clinical testing. Allele origin: germline.
Comment: The p.V818M variant (also known as c.2452G>A), located in coding exon 15 of the DICER1 gene, results from a G to A substitution at nucleotide position 2452. The valine at codon 818 is replaced by methionine, an amino acid with highly similar properties. This amino acid position is conserved. In addition, this alteration is predicted to be deleterious by in silico analysis. Based on the available evidence, the clinical significance of this variant remains unclear.